The following is an entry in ClinVar:

ClinVar aggregate classification (germline): Uncertain significance. Review status: criteria provided, multiple submitters, no conflicts (2 of 4 stars). 2 submissions from 2 submitters: Uncertain significance (2). Last evaluated 2023-11-27.

Conditions:
Inborn genetic diseases. Identifiers: MedGen C0950123, MeSH D030342.
Congenital disorder of deglycosylation (CDDG). Identifiers: MedGen C3808991, MONDO:0031376.

Allele frequency attached by ClinVar (database versions not stated): ExAC 0.00001; gnomAD 0.00001; gnomAD exomes 0.00001 and 0.00004; TOPMed 0.00004.
gnomAD v4.1: 14 of 1,613,952 alleles (0.00087%); highest among the groups gnomAD compares: Admixed American, 0.023%; no homozygotes.

Submissions (2):

Labcorp Genetics (formerly Invitae), Labcorp
Classification: Uncertain significance for Congenital disorder of deglycosylation. Last evaluated: 2023-11-27. Review status: criteria provided, single submitter. Criteria: Invitae Variant Classification Sherloc (09022015). Collection method: clinical testing. Allele origin: germline.
Comment: This sequence change replaces asparagine, which is neutral and polar, with tyrosine, which is neutral and polar, at codon 246 of the NGLY1 protein (p.Asn246Tyr). This variant is present in population databases (rs760786749, gnomAD 0.03%). This variant has not been reported in the literature in individuals affected with NGLY1-related conditions. ClinVar contains an entry for this variant (Variation ID: 1007343). Advanced modeling of protein sequence and biophysical properties (such as structural, functional, and spatial information, amino acid conservation, physicochemical variation, residue mobility, and thermodynamic stability) performed at Invitae indicates that this missense variant is expected to disrupt NGLY1 protein function with a positive predictive value of 80%. In summary, the available evidence is currently insufficient to determine the role of this variant in disease. Therefore, it has been classified as a Variant of Uncertain Significance.

Ambry Genetics
Classification: Uncertain significance for Inborn genetic diseases. Last evaluated: 2021-12-08. Review status: criteria provided, single submitter. Criteria: Ambry Variant Classification Scheme 2023. Collection method: clinical testing. Allele origin: germline.

NM_018297.4(NGLY1):c.736A>T (p.Asn246Tyr)

Gene: NGLY1 (N-glycanase 1; minus strand). Cytogenetic location: 3p24.2.
Variant type: single nucleotide variant.
Coding change: c.736A>T on transcript NM_018297.4 (MANE Select); coding-DNA position 736, A replaced by T.
Protein change: p.Asn246Tyr; replaces asparagine 246 with tyrosine.
Molecular consequence: missense variant.
Genome position (GRCh38, 1-based): chr3:25,739,722, T>A on the plus strand (A>T on the coding strand, the complement: NGLY1 is on the minus strand). VCF-style: chr3-25739722-T-A. GRCh37 (hg19) VCF-style: chr3-25781213-T-A.
Other names: c.736A>T, p.Asn246Tyr (NM_001145293.2, NM_001145295.2); c.610A>T, p.Asn204Tyr (NM_001145294.2); c.736A>T (NM_018297.3); short protein forms N204Y, N246Y.
Identifiers: ClinVar variation 1007343 (VCV001007343.5), dbSNP rs760786749, ClinGen allele CA2289393.
Genomic context (GRCh38, chr3:25,739,722, plus strand): 5'-GCAGTAATGATCTATCTCTAGACCTAGTCTGTCCACCACATTTGCTGCACAAAACGTTAT[T>A]CACCCAGTGAAAAAATTCTTCCTTAAACCAGTGCAAAAGCTCCAGCAAAAGAAAATCCTC-3'
Protein context (NP_060767.2, residues 236-256): WFKEEFFHWV[Asn246Tyr]NVLCSKCGGQ